The following is an entry in ClinVar:

NM_007194.4(CHEK2):c.886G>A (p.Asp296Asn)

Gene: CHEK2 (checkpoint kinase 2; minus strand). Cytogenetic location: 22q12.1.
Variant type: single nucleotide variant.
Coding change: c.886G>A on transcript NM_007194.4 (MANE Select); coding-DNA position 886, G replaced by A.
Protein change: p.Asp296Asn; replaces aspartic acid 296 with asparagine.
Molecular consequence: missense variant.
Genome position (GRCh38, 1-based): chr22:28,703,527, C>T on the plus strand (G>A on the coding strand, the complement: CHEK2 is on the minus strand). VCF-style: chr22-28703527-C-T. GRCh37 (hg19) VCF-style: chr22-29099515-C-T.
Other names: c.1015G>A, p.Asp339Asn (NM_001005735.3); c.223G>A, p.Asp75Asn (NM_001257387.3); c.685G>A, p.Asp229Asn (NM_001349956.3); c.886G>A, p.Asp296Asn (NM_145862.3); short protein forms D339N, D296N, D229N, D75N.
Identifiers: ClinVar variation 1426262 (VCV001426262.7), dbSNP rs876659553, ClinGen allele CA411101070.
Genomic context (GRCh38, chr22:28,703,527, plus strand): 5'-GAATGGAAACAGAAATTTTTAAAAAGTTTACTACTTACAATTCCAAAACAATATAATAAT[C>T]TTCTGCATCAAAAAAGTTTTTAATCTTGATGATGCAAGGCTAAGAAGAGGGGGAGAAAAA-3'
Protein context (NP_009125.1, residues 286-306): IKIKNFFDAE[Asp296Asn]YYIVLELMEG

ClinVar aggregate classification (germline): Uncertain significance (1 of 4 stars; one submission).

Conditions:
Familial cancer of breast. Also called: Hereditary breast cancer; BREAST CANCER, FAMILIAL; hereditary breast carcinoma. Identifiers: Orphanet 227535, MedGen C0346153, MONDO:0016419, OMIM 114480. Disease mechanism: loss of function.

Submission:

Labcorp Genetics (formerly Invitae), Labcorp
Classification: Uncertain significance for Familial cancer of breast. Last evaluated: 2021-10-19. Review status: criteria provided, single submitter. Criteria: Invitae Variant Classification Sherloc (09022015). Collection method: clinical testing. Allele origin: germline.
Comment: This sequence change replaces aspartic acid with asparagine at codon 296 of the CHEK2 protein (p.Asp296Asn). The aspartic acid residue is highly conserved and there is a small physicochemical difference between aspartic acid and asparagine. In summary, the available evidence is currently insufficient to determine the role of this variant in disease. Therefore, it has been classified as a Variant of Uncertain Significance. Algorithms developed to predict the effect of missense changes on protein structure and function are either unavailable or do not agree on the potential impact of this missense change (SIFT: "Tolerated"; PolyPhen-2: "Probably Damaging"; Align-GVGD: "Class C0"). This variant has not been reported in the literature in individuals affected with CHEK2-related conditions. This variant is not present in population databases (ExAC no frequency).